The following is an entry in ClinVar:

NM_001374828.1(ARID1B):c.630_641dup (p.Gln214_His215insGlnGlnGlnGln)

Genes: ARID1B (AT-rich interaction domain 1B; plus strand), LOC115308161 (uncharacterized LOC115308161; minus strand). Cytogenetic location: 6q25.3.
Variant type: Duplication.
Coding change: c.630_641dup on transcript NM_001374828.1 (MANE Select); coding-DNA positions 630 to 641, 12 bases duplicated (GCAGCAACAGCA).
Protein change: p.Gln214_His215insGlnGlnGlnGln.
Molecular consequence: inframe insertion. On other transcripts: non-coding transcript variant (1), inframe indel (3).
Genome position (GRCh38, 1-based): chr6:156,778,310-156,778,321, GCAGCAACAGCA duplicated; duplicating any 12 consecutive bases within chr6:156,778,305-156,778,321 gives the same sequence; the c. name uses the placement nearest the transcript's 3' end. VCF-style (leftmost placement, unchanged base first): chr6-156778304-G-GCAGCAGCAGCAA. GRCh37 (hg19) VCF-style: chr6-157099438-G-GCAGCAGCAGCAA.
Other names: c.381_392dup12 (NM_020732.3); c.381_392dup, p.Gln131_His132insGlnGlnGlnGln (NM_001346813.1, NM_020732.3); c.630_641dup, p.Gln214_His215insGlnGlnGlnGln (NM_001371656.1, NM_001374820.1, NM_017519.3); c.207_218dup, p.Gln73_His74insGlnGlnGlnGln (NM_175863.2).
Identifiers: ClinVar variation 2919613 (VCV002919613.4), dbSNP rs1334776212, ClinGen allele CA571907149.

ClinVar aggregate classification (germline): Uncertain significance. Review status: criteria provided, multiple submitters, no conflicts (2 of 4 stars). 2 submissions from 2 submitters: Uncertain significance (2). Last evaluated 2026-04-18.

Conditions:
ARID1B-Related Disorder. Identifiers: MedGen CN381337.

Submissions (2):

PreventionGenetics, part of Exact Sciences
Classification: Uncertain significance for ARID1B-related condition. Last evaluated: 2026-04-18. Review status: criteria provided, single submitter. Criteria: ACMG Guidelines, 2015. Collection method: clinical testing. Allele origin: germline.
Comment: The ARID1B c.381_392dup12 variant is predicted to result in an in-frame duplication (p.Gln128_Gln131dup). To our knowledge, this variant has not been reported in the literature. This variant is reported in 0.0019% of alleles in individuals of European (Non-Finnish) descent in gnomAD. At this time, the clinical significance of this variant is uncertain due to the absence of conclusive functional and genetic evidence.

Labcorp Genetics (formerly Invitae), Labcorp
Classification: Uncertain significance. Last evaluated: 2023-04-25. Review status: criteria provided, single submitter. Criteria: Invitae Variant Classification Sherloc (09022015). Collection method: clinical testing. Allele origin: germline.
Comment: This variant, c.381_392dup, results in the insertion of 4 amino acid(s) of the ARID1B protein (p.Gln128_Gln131dup), but otherwise preserves the integrity of the reading frame. The frequency data for this variant in the population databases is considered unreliable, as metrics indicate poor data quality at this position in the gnomAD database. This variant has not been reported in the literature in individuals affected with ARID1B-related conditions. In summary, the available evidence is currently insufficient to determine the role of this variant in disease. Therefore, it has been classified as a Variant of Uncertain Significance.